The following is an entry in ClinVar:

NM_001395413.1(POR):c.180-10T>C

Gene: POR (cytochrome p450 oxidoreductase; plus strand). Cytogenetic location: 7q11.23.
Variant type: single nucleotide variant.
Coding change: c.180-10T>C on transcript NM_001395413.1 (MANE Select); 10 bases into the intron before coding-DNA position 180, T replaced by C.
Molecular consequence: intron variant.
Genome position (GRCh38, 1-based): chr7:75,972,403, T>C. VCF-style: chr7-75972403-T-C. GRCh37 (hg19) VCF-style: chr7-75601721-T-C.
Other names: c.180-10T>C (NM_001382662.3, NM_001382659.3, NM_001367562.3 and 2 more transcripts); c.234-10T>C (NM_001382655.3).
Identifiers: ClinVar variation 360695 (VCV000360695.13), dbSNP rs374111607, ClinGen allele CA4303510.

ClinVar aggregate classification (germline): Conflicting classifications of pathogenicity. Review status: criteria provided, conflicting classifications (1 of 4 stars). 3 submissions from 3 submitters: Uncertain significance (1); Likely benign (2). Last evaluated 2026-01-05.

Conditions:
Congenital adrenal hyperplasia due to cytochrome P450 oxidoreductase deficiency. Also called: DISORDERED STEROIDOGENESIS DUE TO POR DEFICIENCY. Identifiers: Orphanet 95699, MedGen C1860042, MONDO:0013310, OMIM 613571.

Allele frequency attached by ClinVar (database versions not stated): ESP Exome Variant Server 0.00016; gnomAD 0.00017; TOPMed 0.00022; gnomAD exomes 0.00025; ExAC 0.00027.
gnomAD v4.1: 427 of 1,607,722 alleles (0.027%); highest among the groups gnomAD compares: Middle Eastern, 0.18%; no homozygotes.

Submissions (3):

Labcorp Genetics (formerly Invitae), Labcorp
Classification: Likely benign for Congenital adrenal hyperplasia due to cytochrome P450 oxidoreductase deficiency. Last evaluated: 2026-01-05. Review status: criteria provided, single submitter. Criteria: Invitae Variant Classification Sherloc (09022015). Collection method: clinical testing. Allele origin: germline.

GeneDx
Classification: Likely benign. Last evaluated: 2019-05-01. Review status: criteria provided, single submitter. Criteria: GeneDx Variant Classification Process June 2021. Collection method: clinical testing. Allele origin: germline. Affected: yes.
Comment: This variant is associated with the following publications: (PMID: 22462747)

Illumina Laboratory Services, Illumina
Classification: Uncertain significance for Congenital adrenal hyperplasia due to cytochrome P450 oxidoreductase deficiency. Last evaluated: 2018-01-13. Review status: criteria provided, single submitter. Criteria: ICSL Variant Classification Criteria 13 December 2019. Collection method: clinical testing. Allele origin: germline.